The following is an entry in ClinVar:

NM_000019.4(ACAT1):c.730+2T>C

Gene: ACAT1 (acetyl-CoA acetyltransferase 1; plus strand). Cytogenetic location: 11q22.3.
Variant type: single nucleotide variant.
Coding change: c.730+2T>C on transcript NM_000019.4 (MANE Select); the canonical splice donor site of the intron after coding-DNA position 730, T replaced by C.
Molecular consequence: splice donor variant.
Genome position (GRCh38, 1-based): chr11:108,140,217, T>C. VCF-style: chr11-108140217-T-C. GRCh37 (hg19) VCF-style: chr11-108010944-T-C.
Other names: c.460+2T>C (NM_001386682.1, NM_001386681.1, NM_001386685.1 and 6 more transcripts); c.730+2T>C (NM_001386677.1); c.433+2T>C (NM_001386679.1); c.415+2T>C (NM_001386678.1).
Identifiers: ClinVar variation 92298 (VCV000092298.17), dbSNP rs398123096, ClinGen allele CA220227.

ClinVar aggregate classification (germline): Pathogenic/Likely pathogenic. Review status: criteria provided, multiple submitters, no conflicts (2 of 4 stars). 7 submissions from 7 submitters: Pathogenic (2); Likely pathogenic (5). Last evaluated 2025-09-29.

Conditions:
Deficiency of acetyl-CoA acetyltransferase. Also called: 3-OXOTHIOLASE DEFICIENCY; Beta-ketothiolase deficiency; 3-KETOTHIOLASE DEFICIENCY; MITOCHONDRIAL ACETOACETYL-CoA THIOLASE DEFICIENCY. Identifiers: Orphanet 134, MedGen C1536500, MONDO:0008760, OMIM 203750. Disease mechanism: loss of function.

Allele frequency attached by ClinVar (database versions not stated): gnomAD exomes below 0.00001; TOPMed 0.00002.
gnomAD v4.1: 1 of 1,614,058 alleles (0.000062%); highest among the groups gnomAD compares: African/African-American, 0.0013%; no homozygotes.

Submissions (7):

Natera, Inc.
Classification: Likely pathogenic for Alpha-methylacetoacetic aciduria. Last evaluated: 2025-09-29. Review status: criteria provided, single submitter. Criteria: Natera Variant Classification Schema (03/2026). Collection method: clinical testing. Allele origin: germline.
Comment: The c.730+2T>C variant in ACAT1 is a canonical splice donor site variant predicted to affect pre-mRNA splicing, which may result in an abnormal transcript and altered protein product. This variant is expected to result in nonsense mediated decay, truncation, or a dysfunctional protein product. This variant is rare in the general population with a frequency below the threshold expected for the associated phenotype(s). Given the available evidence, this variant is classified as Likely Pathogenic.

Labcorp Genetics (formerly Invitae), Labcorp
Classification: Likely pathogenic for Deficiency of acetyl-CoA acetyltransferase. Last evaluated: 2025-08-17. Review status: criteria provided, single submitter. Criteria: Invitae Variant Classification Sherloc (09022015). Collection method: clinical testing. Allele origin: germline.
Comment: This sequence change affects a donor splice site in intron 7 of the ACAT1 gene. It is expected to disrupt RNA splicing. Variants that disrupt the donor or acceptor splice site typically lead to a loss of protein function (PMID: 16199547), and loss-of-function variants in ACAT1 are known to be pathogenic (PMID: 7749408). This variant is not present in population databases (gnomAD no frequency). This variant has not been reported in the literature in individuals affected with ACAT1-related conditions. ClinVar contains an entry for this variant (Variation ID: 92298). Algorithms developed to predict the effect of sequence changes on RNA splicing suggest that this variant may disrupt the consensus splice site. In summary, the currently available evidence indicates that the variant is pathogenic, but additional data are needed to prove that conclusively. Therefore, this variant has been classified as Likely Pathogenic.

Fulgent Genetics
Classification: Likely pathogenic for Deficiency of acetyl-CoA acetyltransferase. Last evaluated: 2024-02-02. Review status: criteria provided, single submitter. Criteria: ACMG Guidelines, 2015. Collection method: clinical testing. Allele origin: germline.

Greenwood Genetic Center Diagnostic Laboratories, Greenwood Genetic Center
Classification: Likely pathogenic for Deficiency of acetyl-CoA acetyltransferase. Last evaluated: 2023-02-16. Review status: criteria provided, single submitter. Criteria: ACMG Guidelines, 2015. Collection method: clinical testing. Allele origin: germline. Affected: yes.
Comment: PVS1, PM2

Baylor Genetics
Classification: Pathogenic for Deficiency of acetyl-CoA acetyltransferase. Last evaluated: 2022-05-05. Review status: criteria provided, single submitter. Criteria: ACMG Guidelines, 2015. Collection method: clinical testing. Allele origin: unknown.

Women's Health and Genetics/Laboratory Corporation of America, LabCorp
Classification: Likely pathogenic for Deficiency of acetyl-CoA acetyltransferase. Last evaluated: 2019-04-22. Review status: criteria provided, single submitter. Criteria: LabCorp Variant Classification Summary - May 2015. Collection method: clinical testing. Allele origin: germline.
Comment: Variant summary: ACAT1 c.730+2T>C is located in a canonical splice-site and is predicted to affect mRNA splicing resulting in a significantly altered protein due to either exon skipping, shortening, or inclusion of intronic material. Several computational tools predict a significant impact on normal splicing: Four predict the variant abolishes a 5 splicing donor site. However, these predictions have yet to be confirmed by functional studies. The variant allele was found at a frequency of 4e-06 in 251236 control chromosomes (gnomAD). To our knowledge, no occurrence of c.730+2T>C in individuals affected with Mitochondrial Acetoacetyl-CoA Thiolase Deficiency and no experimental evidence demonstrating its impact on protein function have been reported. A clinical diagnostic laboratory (evaluation prior to 2014) cites the variant as pathogenic. Based on the evidence outlined above, the variant was classified as likely pathogenic.

Eurofins Ntd Llc (ga)
Classification: Pathogenic. Last evaluated: 2012-12-26. Review status: criteria provided, single submitter. Criteria: EGL Classification Definitions. Collection method: clinical testing. Allele origin: germline. Observed: 1 variant allele, 1 heterozygote.

Literature cited by the submitters: PubMed 16199547 (cited by Labcorp Genetics (formerly Invitae), Labcorp); PubMed 7749408 (cited by Labcorp Genetics (formerly Invitae), Labcorp).